The following is an entry in ClinVar:

NM_000059.4(BRCA2):c.5798A>G (p.Asn1933Ser)

Gene: BRCA2 (BRCA2 DNA repair associated; plus strand). Cytogenetic location: 13q13.1.
Variant type: single nucleotide variant.
Coding change: c.5798A>G on transcript NM_000059.4 (MANE Select); coding-DNA position 5798, A replaced by G.
Protein change: p.Asn1933Ser; replaces asparagine 1933 with serine.
Molecular consequence: missense variant.
Genome position (GRCh38, 1-based): chr13:32,340,153, A>G. VCF-style: chr13-32340153-A-G. GRCh37 (hg19) VCF-style: chr13-32914290-A-G.
Other names: short protein forms N1933S.
Identifiers: ClinVar variation 236883 (VCV000236883.20), dbSNP rs878853591, ClinGen allele CA10583116.
Genomic context (GRCh38, chr13:32,340,153, plus strand): 5'-GTAGCACGCATTCACATAAGGTTTTTGCTGACATTCAGAGTGAAGAAATTTTACAACATA[A>G]CCAAAATATGTCTGGATTGGAGAAAGTTTCTAAAATATCACCTTGTGATGTTAGTTTGGA-3'
Protein context (NP_000050.3, residues 1923-1943): DIQSEEILQH[Asn1933Ser]QNMSGLEKVS

ClinVar aggregate classification (germline): Conflicting classifications of pathogenicity. Review status: criteria provided, conflicting classifications (1 of 4 stars). 5 submissions from 5 submitters: Uncertain significance (4); Likely benign (1). Last evaluated 2025-07-01.

Conditions:
Hereditary cancer-predisposing syndrome. Also called: Hereditary neoplastic syndrome; Hereditary Cancer Syndrome; Neoplastic Syndromes, Hereditary; Tumor predisposition. Identifiers: Orphanet 140162, MedGen C0027672, MeSH D009386, MONDO:0015356.
Hereditary breast ovarian cancer syndrome. Also called: BRCA1- and BRCA2-Associated Hereditary Breast and Ovarian Cancer; Hereditary breast and ovarian cancer syndrome; Hereditary breast and ovarian cancer; Hereditary breast and ovarian cancer syndrome (HBOC); Breast and ovarian cancer; Hereditary breast and/or ovarian cancer syndrome. Identifiers: Orphanet 145, MedGen C0677776, MeSH D061325, MONDO:0003582. Disease mechanism: loss of function.

Submissions (5):

Quest Diagnostics Nichols Institute San Juan Capistrano
Classification: Uncertain significance. Last evaluated: 2025-07-01. Review status: criteria provided, single submitter. Criteria: Quest Diagnostics criteria. Collection method: clinical testing. Allele origin: unknown.
Comment: The BRCA2 c.5798A>G (p.Asn1933Ser) variant has been reported in the published literature in at least on individual with prostate cancer (PMID: 36922933 (2022)) and described to be located in a region of the BRCA2 gene that is tolerant to missense sequence changes (PMID: 31911673 (2020)). This variant has not been reported in large, multi-ethnic general populations (Genome Aggregation Database). Analysis of this variant using bioinformatics tools for the prediction of the effect of amino acid changes on protein structure and function yielded predictions that this variant is benign. Based on the available information, we are unable to determine the clinical significance of this variant.

Ambry Genetics
Classification: Uncertain significance for Hereditary cancer-predisposing syndrome. Last evaluated: 2025-02-04. Review status: criteria provided, single submitter. Criteria: Ambry Variant Classification Scheme 2023. Collection method: clinical testing. Allele origin: germline.
Comment: The p.N1933S variant (also known as c.5798A>G), located in coding exon 10 of the BRCA2 gene, results from an A to G substitution at nucleotide position 5798. The asparagine at codon 1933 is replaced by serine, an amino acid with highly similar properties. This amino acid position is not well conserved in available vertebrate species. In addition, this alteration is predicted to be tolerated by in silico analysis. Since supporting evidence is limited at this time, the clinical significance of this alteration remains unclear.

Hereditary Cancer Laboratory, Hospital Universitario 12 de Octubre
Classification: Uncertain significance for Hereditary cancer-predisposing syndrome. Last evaluated: 2024-08-29. Review status: criteria provided, single submitter. Criteria: ACMG Guidelines, 2015. Collection method: clinical testing. Allele origin: germline.
Comment: PM2+BP6

University of Washington Department of Laboratory Medicine, University of Washington
Classification: Likely benign for Hereditary cancer-predisposing syndrome. Last evaluated: 2023-03-23. Review status: criteria provided, single submitter. Criteria: Dines et al. (Genet Med. 2020). Collection method: curation. Allele origin: germline.
Comment: Missense variant in a coldspot region where missense variants are very unlikely to be pathogenic (PMID:31911673).

BRCA2 exon 11 coldspot. Reclassification based on statistical prior probability.

Labcorp Genetics (formerly Invitae), Labcorp
Classification: Uncertain significance for Hereditary breast ovarian cancer syndrome. Last evaluated: 2022-09-13. Review status: criteria provided, single submitter. Criteria: Invitae Variant Classification Sherloc (09022015). Collection method: clinical testing. Allele origin: germline.
Comment: In summary, the available evidence is currently insufficient to determine the role of this variant in disease. Therefore, it has been classified as a Variant of Uncertain Significance. Advanced modeling of protein sequence and biophysical properties (such as structural, functional, and spatial information, amino acid conservation, physicochemical variation, residue mobility, and thermodynamic stability) performed at Invitae indicates that this missense variant is not expected to disrupt BRCA2 protein function. ClinVar contains an entry for this variant (Variation ID: 236883). This variant has not been reported in the literature in individuals affected with BRCA2-related conditions. This variant is not present in population databases (gnomAD no frequency). This sequence change replaces asparagine, which is neutral and polar, with serine, which is neutral and polar, at codon 1933 of the BRCA2 protein (p.Asn1933Ser).

Literature cited by the submitters: PubMed 31911673 (cited by Quest Diagnostics Nichols Institute San Juan Capistrano); PubMed 36922933 (cited by Quest Diagnostics Nichols Institute San Juan Capistrano).